The following is an entry in ClinVar:

ClinVar aggregate classification (germline): Uncertain significance (1 of 4 stars; one submission).

Conditions:
Hereditary cancer-predisposing syndrome. Also called: Neoplastic Syndromes, Hereditary; Tumor predisposition; Hereditary Cancer Syndrome; Hereditary neoplastic syndrome. Identifiers: Orphanet 140162, MedGen C0027672, MeSH D009386, MONDO:0015356.

Submission:

Ambry Genetics
Classification: Uncertain significance for Hereditary cancer-predisposing syndrome. Last evaluated: 2026-06-12. Review status: criteria provided, single submitter. Criteria: Ambry Variant Classification Scheme 2023. Collection method: clinical testing. Allele origin: germline.
Comment: The p.I299V variant (also known as c.895A>G), located in coding exon 1 of the MET gene, results from an A to G substitution at nucleotide position 895. The isoleucine at codon 299 is replaced by valine, an amino acid with highly similar properties. This variant was reported in individual(s) with features consistent with MET-related papillary renal cell carcinoma (Ambry internal data). This amino acid position is conserved. In addition, this alteration is predicted to be tolerated by in silico analysis. Based on the available evidence, the clinical significance of this variant remains unclear.

NM_000245.4(MET):c.895A>G (p.Ile299Val)

Gene: MET (MET proto-oncogene, receptor tyrosine kinase; plus strand). Cytogenetic location: 7q31.2.
Variant type: single nucleotide variant.
Coding change: c.895A>G on transcript NM_000245.4 (MANE Select); coding-DNA position 895, A replaced by G.
Protein change: p.Ile299Val; replaces isoleucine 299 with valine.
Molecular consequence: missense variant. On other transcripts: intron variant (1).
Genome position (GRCh38, 1-based): chr7:116,699,979, A>G. VCF-style: chr7-116699979-A-G. GRCh37 (hg19) VCF-style: chr7-116340033-A-G.
Other names: c.895A>G, p.Ile299Val (NM_001127500.3, NM_001324401.3); c.-91+27402A>G (NM_001324402.2); short protein forms I299V.
Identifiers: ClinVar variation 4648298 (VCV004648298.2).